The following is an entry in ClinVar:

ClinVar aggregate classification (germline): Uncertain significance (1 of 4 stars; one submission).

Conditions:
Familial cold autoinflammatory syndrome 4 (FCAS4). Identifiers: Orphanet 47045, Orphanet 576349, MedGen C4015276, MONDO:0014498, OMIM 616115.
Periodic fever-infantile enterocolitis-autoinflammatory syndrome. Also called: Autoinflammation with infantile enterocolitis. Identifiers: Orphanet 436166, MedGen C4015067, MONDO:0014472, OMIM 616050.

Submission:

Labcorp Genetics (formerly Invitae), Labcorp
Classification: Uncertain significance for Periodic fever-infantile enterocolitis-autoinflammatory syndrome; Familial cold autoinflammatory syndrome 4. Last evaluated: 2019-11-25. Review status: criteria provided, single submitter. Criteria: Invitae Variant Classification Sherloc (09022015). Collection method: clinical testing. Allele origin: germline.
Comment: In summary, the available evidence is currently insufficient to determine the role of this variant in disease. Therefore, it has been classified as a Variant of Uncertain Significance. Algorithms developed to predict the effect of missense changes on protein structure and function are either unavailable or do not agree on the potential impact of this missense change (SIFT: "Deleterious"; PolyPhen-2: "Benign"; Align-GVGD: "Class C0"). This variant has not been reported in the literature in individuals with NLRC4-related conditions. This variant is not present in population databases (ExAC no frequency). This sequence change replaces arginine with glycine at codon 660 of the NLRC4 protein (p.Arg660Gly). The arginine residue is weakly conserved and there is a moderate physicochemical difference between arginine and glycine.

NM_001199138.2(NLRC4):c.1978A>G (p.Arg660Gly)

Gene: NLRC4 (NLR family CARD domain containing 4; minus strand). Cytogenetic location: 2p22.3.
Variant type: single nucleotide variant.
Coding change: c.1978A>G on transcript NM_001199138.2 (MANE Select); coding-DNA position 1978, A replaced by G.
Protein change: p.Arg660Gly; replaces arginine 660 with glycine.
Molecular consequence: missense variant. On other transcripts: intron variant (1).
Genome position (GRCh38, 1-based): chr2:32,249,886, T>C on the plus strand (A>G on the coding strand, the complement: NLRC4 is on the minus strand). VCF-style: chr2-32249886-T-C. GRCh37 (hg19) VCF-style: chr2-32474955-T-C.
Other names: c.1978A>G, p.Arg660Gly (NM_001199139.2, NM_021209.5); c.262+2533A>G (NM_001302504.1); short protein forms R660G.
Identifiers: ClinVar variation 855848 (VCV000855848.9), dbSNP rs1687025755, ClinGen allele CA346511274.